The following is an entry in ClinVar:

ClinVar aggregate classification (germline): Uncertain significance (1 of 4 stars; one submission).

Conditions:
Inborn genetic diseases. Identifiers: MedGen C0950123, MeSH D030342.

Submission:

Ambry Genetics
Classification: Uncertain significance for Inborn genetic diseases. Last evaluated: 2017-10-09. Review status: criteria provided, single submitter. Criteria: Ambry Variant Classification Scheme 2023. Collection method: clinical testing. Allele origin: germline.
Comment: The p.M22I variant (also known as c.66G>A), located in coding exon 2 of the ARHGEF9 gene, results from a G to A substitution at nucleotide position 66. The methionine at codon 22 is replaced by isoleucine, an amino acid with highly similar properties. This amino acid position is highly conserved in available vertebrate species. In addition, the in silico prediction for this alteration is inconclusive. Since supporting evidence is limited at this time, the clinical significance of this variant remains unclear.

NM_001353921.2(ARHGEF9):c.87G>A (p.Met29Ile)

Gene: ARHGEF9 (Cdc42 guanine nucleotide exchange factor 9; minus strand). Cytogenetic location: Xq11.1.
Variant type: single nucleotide variant.
Coding change: c.87G>A on transcript NM_001353921.2 (MANE Select); coding-DNA position 87, G replaced by A.
Protein change: p.Met29Ile; replaces methionine 29 with isoleucine.
Molecular consequence: missense variant. On other transcripts: initiator codon variant (11), 5 prime UTR variant (2), intron variant (6).
Genome position (GRCh38, 1-based): chrX:63,724,655, C>T on the plus strand (G>A on the coding strand, the complement: ARHGEF9 is on the minus strand). VCF-style: chrX-63724655-C-T. GRCh37 (hg19) VCF-style: chrX-62944535-C-T.
Other names: c.3G>A, p.Met1Ile (NM_001330495.2, NM_001353927.2, NM_001369033.1 and 8 more transcripts); c.87G>A, p.Met29Ile (NM_001353922.2); c.105G>A, p.Met35Ile (NM_001353923.1); c.66G>A, p.Met22Ile (NM_001353928.2, NM_001369030.1, NM_001369031.1 and 2 more transcripts); c.-377G>A (NM_001369042.1); c.-617G>A (NM_001369045.1); c.31-18206G>A (NM_001173479.2); c.10-18206G>A (NM_001369040.1, NM_001369039.1, NM_001353926.2 and 1 more transcripts); and 1 more; short protein forms M22I, M35I, M1I, M29I.
Identifiers: ClinVar variation 588667 (VCV000588667.6), dbSNP rs1569491685, ClinGen allele CA413404357.